The following is an entry in ClinVar:

ClinVar aggregate classification (germline): Benign. Review status: criteria provided, multiple submitters, no conflicts (2 of 4 stars). 3 submissions from 3 submitters: Benign (3). Last evaluated 2018-10-31.

Conditions:
Charcot-Marie-Tooth disease type 1C. Also called: CHARCOT-MARIE-TOOTH DISEASE, DEMYELINATING, TYPE 1C; CMT, SLOW NERVE CONDUCTION TYPE C; HMSN IC; Charcot-Marie-Tooth disease, type IC; CHARCOT-MARIE-TOOTH NEUROPATHY, TYPE 1C; NEUROPATHY, HEREDITARY MOTOR AND SENSORY, TYPE IC. Identifiers: Orphanet 101083, MedGen C0270913, MONDO:0010995, OMIM 601098.

Allele frequency attached by ClinVar (database versions not stated): 1000 Genomes Project 0.01897; gnomAD 0.02394 and 0.02195; gnomAD exomes 0.00529 and 0.00304; ExAC 0.00669; 1000 Genomes Project 30x 0.02030; TOPMed 0.02531.
gnomAD v4.1: 5,095 of 703,802 alleles (0.72%); highest among the groups gnomAD compares: African/African-American, 7.5%; 172 homozygotes.

Submissions (3):

GeneDx
Classification: Benign. Last evaluated: 2018-10-31. Review status: criteria provided, single submitter. Criteria: GeneDx Variant Classification Process June 2021. Collection method: clinical testing. Allele origin: germline. Affected: yes.

Illumina Laboratory Services, Illumina
Classification: Benign for Charcot-Marie-Tooth disease type 1C. Last evaluated: 2018-01-13. Review status: criteria provided, single submitter. Criteria: ICSL Variant Classification Criteria 13 December 2019. Collection method: clinical testing. Allele origin: germline.
Comment: This variant was observed in the ICSL laboratory as part of a predisposition screen in an ostensibly healthy population. It had not been previously curated by ICSL or reported in the Human Gene Mutation Database (HGMD: prior to June 1st, 2018), and was therefore a candidate for classification through an automated scoring system. Utilizing variant allele frequency, disease prevalence and penetrance estimates, and inheritance mode, an automated score was calculated to assess if this variant is too frequent to cause the disease. Based on the score and internal cut-off values, a variant classified as benign is not then subjected to further curation. The score for this variant resulted in a classification of benign for this disease.

Breakthrough Genomics
Classification: Benign. Review status: criteria provided, single submitter. Criteria: ACMG Guidelines, 2015. Collection method: not provided. Allele origin: germline. Inheritance: Autosomal dominant inheritance. Affected: yes.

NM_001136472.2(LITAF):c.*143C>T

Gene: LITAF (lipopolysaccharide induced TNF factor; minus strand). Cytogenetic location: 16p13.13.
Variant type: single nucleotide variant.
Coding change: c.*143C>T on transcript NM_001136472.2 (MANE Select); 143 bases downstream of the stop codon, C replaced by T.
Molecular consequence: 3 prime UTR variant. On other transcripts: non-coding transcript variant (1).
Genome position (GRCh38, 1-based): chr16:11,549,494, G>A on the plus strand (C>T on the coding strand, the complement: LITAF is on the minus strand). VCF-style: chr16-11549494-G-A. GRCh37 (hg19) VCF-style: chr16-11643350-G-A.
Other names: c.*268C>T (NM_001136473.1); c.*143C>T (NM_004862.4).
Identifiers: ClinVar variation 317776 (VCV000317776.7), dbSNP rs1801977, ClinGen allele CA7903973.